The following is an entry in ClinVar:

NM_004764.5(PIWIL1):c.279A>G (p.Thr93=)

Gene: PIWIL1 (piwi like RNA-mediated gene silencing 1; plus strand). Cytogenetic location: 12q24.33.
Variant type: single nucleotide variant.
Coding change: c.279A>G on transcript NM_004764.5 (MANE Select); coding-DNA position 279, A replaced by G.
Protein change: p.Thr93=; no amino-acid change (threonine 93 retained).
Molecular consequence: synonymous variant.
Genome position (GRCh38, 1-based): chr12:130,345,841, A>G. VCF-style: chr12-130345841-A-G. GRCh37 (hg19) VCF-style: chr12-130830386-A-G.
Other names: c.279A>G, p.Thr93= (NM_001190971.2).
Identifiers: ClinVar variation 3057484 (VCV003057484.2), dbSNP rs752244660, ClinGen allele CA6876936.

ClinVar aggregate classification (germline): Likely benign (0 of 4 stars; one submission).

Conditions:
PIWIL1-related disorder. Also called: PIWIL1-related condition.

Allele frequency attached by ClinVar (database versions not stated): gnomAD 0.00001; ExAC 0.00002; TOPMed 0.00002; gnomAD exomes 0.00004.
gnomAD v4.1: 27 of 1,613,912 alleles (0.0017%); highest among the groups gnomAD compares: Admixed American, 0.04%; no homozygotes.

Submission:

PreventionGenetics, part of Exact Sciences
Classification: Likely benign for PIWIL1-related condition. Last evaluated: 2019-04-24. Review status: no assertion criteria provided. Collection method: clinical testing. Allele origin: germline.
Comment: This variant is classified as likely benign based on ACMG/AMP sequence variant interpretation guidelines (Richards et al. 2015 PMID: 25741868, with internal and published modifications).